The following is an entry in ClinVar:

ClinVar aggregate classification (germline): Pathogenic (1 of 4 stars; one submission).

Submission:

Labcorp Genetics (formerly Invitae), Labcorp
Classification: Pathogenic. Last evaluated: 2022-05-11. Review status: criteria provided, single submitter. Criteria: Invitae Variant Classification Sherloc (09022015). Collection method: clinical testing. Allele origin: germline.
Comment: For these reasons, this variant has been classified as Pathogenic. This variant has not been reported in the literature in individuals affected with POLE-related conditions. This variant is not present in population databases (gnomAD no frequency). This sequence change creates a premature translational stop signal (p.Glu1417Leufs*36) in the POLE gene. It is expected to result in an absent or disrupted protein product. Loss-of-function variants in POLE are known to be pathogenic (PMID: 23230001, 25948378, 30503519).

Literature cited by the submitters: PubMed 23230001; PubMed 25948378; PubMed 30503519.

NC_000012.12:g.132643876_132643878delinsAG

Gene: POLE (DNA polymerase epsilon, catalytic subunit; minus strand). Cytogenetic location: 12q24.33.
Variant type: Indel.
Genome position: GRCh38 VCF-style: chr12-132643876-CTC-AG. GRCh37 (hg19) VCF-style: chr12-133220462-CTC-AG.
Other names: c.4249_4251delinsCT, p.Glu1417fs (LRG_789t1).
Identifiers: ClinVar variation 473658 (VCV000473658.5), dbSNP rs1555223073, ClinGen allele CA658658180.
Genomic context (GRCh38, chr12:132,643,876, plus strand): 5'-CGAGGGTGGCTGGGGAGTCACCTGAGTCTCATATACGCCCTCGATGTCTGGCGCTGACAG[CTC>AG]AGCGTTGATCTCGTTGATGTGTTCCTGGTACATGTCCTCTGGCACTGAATACTCATAGAG-3'